The following is an entry in ClinVar:

NM_001851.6(COL9A1):c.905G>C (p.Gly302Ala)

Gene: COL9A1 (collagen type IX alpha 1 chain; minus strand). Cytogenetic location: 6q13.
Variant type: single nucleotide variant.
Coding change: c.905G>C on transcript NM_001851.6 (MANE Select); coding-DNA position 905, G replaced by C.
Protein change: p.Gly302Ala; replaces glycine 302 with alanine.
Molecular consequence: missense variant. On other transcripts: non-coding transcript variant (1).
Genome position (GRCh38, 1-based): chr6:70,281,011, C>G on the plus strand (G>C on the coding strand, the complement: COL9A1 is on the minus strand). VCF-style: chr6-70281011-C-G. GRCh37 (hg19) VCF-style: chr6-70990714-C-G.
Other names: c.176G>C, p.Gly59Ala (NM_001377289.1, NM_001377290.1, NM_078485.4); c.905G>C, p.Gly302Ala (NM_001377291.1); short protein forms G302A, G59A.
Identifiers: ClinVar variation 2007770 (VCV002007770.4), dbSNP rs752887927, ClinGen allele CA3882592.

ClinVar aggregate classification (germline): Uncertain significance (1 of 4 stars; one submission).

Allele frequency attached by ClinVar (database versions not stated): ExAC 0.00001.
gnomAD v4.1: 2 of 1,613,204 alleles (0.00012%); highest among the groups gnomAD compares: Non-Finnish European, 0.000085%; no homozygotes.

Submission:

Labcorp Genetics (formerly Invitae), Labcorp
Classification: Uncertain significance. Last evaluated: 2022-06-17. Review status: criteria provided, single submitter. Criteria: Invitae Variant Classification Sherloc (09022015). Collection method: clinical testing. Allele origin: germline.
Comment: This sequence change replaces glycine, which is neutral and non-polar, with alanine, which is neutral and non-polar, at codon 302 of the COL9A1 protein (p.Gly302Ala). In summary, the available evidence is currently insufficient to determine the role of this variant in disease. Therefore, it has been classified as a Variant of Uncertain Significance. Advanced modeling of protein sequence and biophysical properties (such as structural, functional, and spatial information, amino acid conservation, physicochemical variation, residue mobility, and thermodynamic stability) performed at Invitae indicates that this missense variant is not expected to disrupt COL9A1 protein function. This variant has not been reported in the literature in individuals affected with COL9A1-related conditions. The frequency data for this variant in the population databases is considered unreliable, as metrics indicate poor data quality at this position in the gnomAD database.